The following is an entry in ClinVar:

ClinVar aggregate classification (germline): Uncertain significance (1 of 4 stars; one submission).

Conditions:
Hereditary cancer-predisposing syndrome. Also called: Hereditary neoplastic syndrome; Neoplastic Syndromes, Hereditary; Tumor predisposition; Hereditary Cancer Syndrome. Identifiers: Orphanet 140162, MedGen C0027672, MeSH D009386, MONDO:0015356.

Submission:

Ambry Genetics
Classification: Uncertain significance for Hereditary cancer-predisposing syndrome. Last evaluated: 2025-01-13. Review status: criteria provided, single submitter. Criteria: Ambry Variant Classification Scheme 2023. Collection method: clinical testing. Allele origin: germline.
Comment: The p.E307K variant (also known as c.919G>A), located in coding exon 9 of the EPCAM gene, results from a G to A substitution at nucleotide position 919. The glutamic acid at codon 307 is replaced by lysine, an amino acid with similar properties. This amino acid position is conserved. In addition, the in silico prediction for this alteration is inconclusive. Based on the available evidence, the clinical significance of this variant remains unclear.

NM_002354.3(EPCAM):c.919G>A (p.Glu307Lys)

Gene: EPCAM (epithelial cell adhesion molecule; plus strand). Cytogenetic location: 2p21.
Variant type: single nucleotide variant.
Coding change: c.919G>A on transcript NM_002354.3 (MANE Select); coding-DNA position 919, G replaced by A.
Protein change: p.Glu307Lys; replaces glutamic acid 307 with lysine.
Molecular consequence: missense variant.
Genome position (GRCh38, 1-based): chr2:47,386,587, G>A. VCF-style: chr2-47386587-G-A. GRCh37 (hg19) VCF-style: chr2-47613726-G-A.
Other names: short protein forms E307K.
Identifiers: ClinVar variation 3845297 (VCV003845297.1).